The following is an entry in ClinVar:

ClinVar aggregate classification (germline): Conflicting classifications of pathogenicity. Review status: criteria provided, conflicting classifications (1 of 4 stars). 4 submissions from 4 submitters: Uncertain significance (1); Benign (1); Likely benign (1). 1 of the submissions does not count toward it. Last evaluated 2026-01-28.

Conditions:
ADAMTSL4-related disorder. Also called: ADAMTSL4-related condition; ADAMTSL4-Related Disorders.
Ectopia lentis 2, isolated, autosomal recessive (ECTOL2). Identifiers: Orphanet 1885, MedGen C3541474, MONDO:0009152, OMIM 225100.

Allele frequency attached by ClinVar (database versions not stated): gnomAD 0.00062; TOPMed 0.00071; ExAC 0.00076; gnomAD exomes 0.00079; ESP Exome Variant Server 0.00085.
gnomAD v4.1: 808 of 1,613,604 alleles (0.05%); highest among the groups gnomAD compares: Middle Eastern, 0.59%; 4 homozygotes.

Submissions (4):

Labcorp Genetics (formerly Invitae), Labcorp
Classification: Benign. Last evaluated: 2026-01-28. Review status: criteria provided, single submitter. Criteria: Invitae Variant Classification Sherloc (09022015). Collection method: clinical testing. Allele origin: germline.

Blueprint Genetics
Classification: Likely benign. Last evaluated: 2024-11-07. Review status: criteria provided, single submitter. Criteria: ACMG Guidelines, 2015. Collection method: clinical testing. Allele origin: germline.

Illumina Laboratory Services, Illumina
Classification: Uncertain significance for Ectopia lentis 2, isolated, autosomal recessive. Last evaluated: 2018-01-13. Review status: criteria provided, single submitter. Criteria: ICSL Variant Classification Criteria 13 December 2019. Collection method: clinical testing. Allele origin: germline.

PreventionGenetics, part of Exact Sciences
Classification: Likely benign for ADAMTSL4-related condition. Last evaluated: 2020-08-06. Review status: no assertion criteria provided. Collection method: clinical testing. Allele origin: germline. Not counted in ClinVar's aggregate classification.
Comment: This variant is classified as likely benign based on ACMG/AMP sequence variant interpretation guidelines (Richards et al. 2015 PMID: 25741868, with internal and published modifications).

NM_019032.6(ADAMTSL4):c.2883C>G (p.Ala961=)

Gene: ADAMTSL4 (ADAMTS like 4; plus strand). Cytogenetic location: 1q21.2.
Variant type: single nucleotide variant.
Coding change: c.2883C>G on transcript NM_019032.6 (MANE Select); coding-DNA position 2883, C replaced by G.
Protein change: p.Ala961=; no amino-acid change (alanine 961 retained).
Molecular consequence: synonymous variant.
Genome position (GRCh38, 1-based): chr1:150,559,406, C>G. VCF-style: chr1-150559406-C-G. GRCh37 (hg19) VCF-style: chr1-150531882-C-G.
Other names: c.2766C>G, p.Ala922= (NM_001288607.2); c.2952C>G, p.Ala984= (NM_001288608.2); c.2883C>G, p.Ala961= (NM_001378596.1).
Identifiers: ClinVar variation 292562 (VCV000292562.17), dbSNP rs148110558, ClinGen allele CA1078869.